The following is an entry in ClinVar:

ClinVar aggregate classification (germline): Uncertain significance (1 of 4 stars; one submission).

Submission:

Labcorp Genetics (formerly Invitae), Labcorp
Classification: Uncertain significance. Last evaluated: 2021-10-14. Review status: criteria provided, single submitter. Criteria: Invitae Variant Classification Sherloc (09022015). Collection method: clinical testing. Allele origin: germline.
Comment: This variant is a gross deletion of the genomic region encompassing exon(s) 23 of the ERCC2 gene, which includes the termination codon. This deletion extends beyond the assayed region for this gene and therefore may encompass additional genes. While this deletion is not anticipated to lead to nonsense mediated decay, it is expected to alter mRNA translation or result in a truncated protein product. This variant has not been reported in the literature in individuals affected with ERCC2-related conditions. Experimental studies and prediction algorithms are not available or were not evaluated, and the functional significance of this variant is currently unknown. In summary, the available evidence is currently insufficient to determine the role of this variant in disease. Therefore, it has been classified as a Variant of Uncertain Significance.

NC_000019.9:g.(?_45854887)_(45854999_?)del

Gene: ERCC2 (ERCC excision repair 2, TFIIH core complex helicase subunit; minus strand). Cytogenetic location: 19q13.32.
Variant type: Deletion.
Identifiers: ClinVar variation 1409595 (VCV001409595.5).